The following is an entry in ClinVar:

NM_001903.5(CTNNA1):c.170A>G (p.Lys57Arg)

Gene: CTNNA1 (catenin alpha 1; plus strand). Cytogenetic location: 5q31.2.
Variant type: single nucleotide variant.
Coding change: c.170A>G on transcript NM_001903.5 (MANE Select); coding-DNA position 170, A replaced by G.
Protein change: p.Lys57Arg; replaces lysine 57 with arginine.
Molecular consequence: missense variant. On other transcripts: 5 prime UTR variant (1), intron variant (1).
Genome position (GRCh38, 1-based): chr5:138,783,241, A>G. VCF-style: chr5-138783241-A-G. GRCh37 (hg19) VCF-style: chr5-138118930-A-G.
Other names: c.170A>G (NM_001903.2); c.170A>G, p.Lys57Arg (NM_001290307.3, NM_001323982.2, NM_001323983.1 and 3 more transcripts); c.-37A>G (NM_001290310.3); c.-9+1212A>G (NM_001290309.3); short protein forms K57R.
Identifiers: ClinVar variation 1063178 (VCV001063178.10), dbSNP rs2149656349, ClinGen allele CA361477397.

ClinVar aggregate classification (germline): Uncertain significance. Review status: criteria provided, multiple submitters, no conflicts (2 of 4 stars). 2 submissions from 2 submitters: Uncertain significance (2). Last evaluated 2026-09-02.

Conditions:
Hereditary cancer-predisposing syndrome. Also called: Tumor predisposition; Hereditary Cancer Syndrome; Hereditary neoplastic syndrome; Neoplastic Syndromes, Hereditary. Identifiers: Orphanet 140162, MedGen C0027672, MeSH D009386, MONDO:0015356.

Submissions (2):

Ambry Genetics
Classification: Uncertain significance for Hereditary cancer-predisposing syndrome. Last evaluated: 2026-09-02. Review status: criteria provided, single submitter. Criteria: Ambry Variant Classification Scheme 2023. Collection method: clinical testing. Allele origin: germline.
Comment: The p.K57R variant (also known as c.170A>G), located in coding exon 2 of the CTNNA1 gene, results from an A to G substitution at nucleotide position 170. The lysine at codon 57 is replaced by arginine, an amino acid with highly similar properties. This amino acid position is conserved. In addition, this alteration is predicted to be tolerated by in silico analysis. Based on the available evidence, the clinical significance of this variant remains unclear.

Labcorp Genetics (formerly Invitae), Labcorp
Classification: Uncertain significance. Last evaluated: 2022-11-28. Review status: criteria provided, single submitter. Criteria: Invitae Variant Classification Sherloc (09022015). Collection method: clinical testing. Allele origin: germline.
Comment: Advanced modeling of protein sequence and biophysical properties (such as structural, functional, and spatial information, amino acid conservation, physicochemical variation, residue mobility, and thermodynamic stability) performed at Invitae indicates that this missense variant is not expected to disrupt CTNNA1 protein function. In summary, the available evidence is currently insufficient to determine the role of this variant in disease. Therefore, it has been classified as a Variant of Uncertain Significance. ClinVar contains an entry for this variant (Variation ID: 1063178). This variant has not been reported in the literature in individuals affected with CTNNA1-related conditions. This variant is not present in population databases (gnomAD no frequency). This sequence change replaces lysine, which is basic and polar, with arginine, which is basic and polar, at codon 57 of the CTNNA1 protein (p.Lys57Arg).